The following is an entry in ClinVar:

NM_001378418.1(TCF20):c.5677G>A (p.Ala1893Thr)

Gene: TCF20 (transcription factor 20; minus strand). Cytogenetic location: 22q13.2.
Variant type: single nucleotide variant.
Coding change: c.5677G>A on transcript NM_001378418.1 (MANE Select); coding-DNA position 5677, G replaced by A.
Protein change: p.Ala1893Thr; replaces alanine 1893 with threonine.
Molecular consequence: missense variant.
Genome position (GRCh38, 1-based): chr22:42,179,681, C>T on the plus strand (G>A on the coding strand, the complement: TCF20 is on the minus strand). VCF-style: chr22-42179681-C-T. GRCh37 (hg19) VCF-style: chr22-42575687-C-T.
Other names: c.5677G>A (NM_005650.3, NM_005650.1); c.5677G>A, p.Ala1893Thr (NM_005650.4, NM_181492.3); short protein forms A1893T.
Identifiers: ClinVar variation 2710779 (VCV002710779.6), dbSNP rs145699325, ClinGen allele CA10266407.
Genomic context (GRCh38, chr22:42,179,681, plus strand): 5'-CACACGGGTAATGGTATCGGAAGGAGCAGCCTTTGTTGTAGCAGCCCAAGGTGGCGCCTG[C>T]CTCCTGGCAGTGGGAACATTTCTGAAAGGAAGGGAAAAGTCAGGCATGTCAGTATCCCAG-3'
Protein context (NP_001365347.1, residues 1883-1903): REMKCSHCQE[Ala1893Thr]GATLGCYNKG

ClinVar aggregate classification (germline): Likely benign. Review status: criteria provided, multiple submitters, no conflicts (2 of 4 stars). 3 submissions from 3 submitters: Likely benign (2). 1 of the submissions does not count toward it. Last evaluated 2025-12-16.

Conditions:
Inborn genetic diseases. Identifiers: MedGen C0950123, MeSH D030342.
TCF20-related disorder. Also called: TCF20-related condition.

Allele frequency attached by ClinVar (database versions not stated): ExAC 0.00008; ESP Exome Variant Server 0.00023; gnomAD 0.00025; TOPMed 0.00028; 1000 Genomes Project 30x 0.00031; 1000 Genomes Project 0.00040.
gnomAD v4.1: 68 of 1,613,880 alleles (0.0042%); highest among the groups gnomAD compares: African/African-American, 0.079%; no homozygotes.

Submissions (3):

Labcorp Genetics (formerly Invitae), Labcorp
Classification: Likely benign. Last evaluated: 2025-12-16. Review status: criteria provided, single submitter. Criteria: Invitae Variant Classification Sherloc (09022015). Collection method: clinical testing. Allele origin: germline.

Ambry Genetics
Classification: Likely benign for Inborn genetic diseases. Last evaluated: 2025-05-01. Review status: criteria provided, single submitter. Criteria: Ambry Variant Classification Scheme 2023. Collection method: clinical testing. Allele origin: germline.

PreventionGenetics, part of Exact Sciences
Classification: Likely benign for TCF20-related condition. Last evaluated: 2024-04-02. Review status: no assertion criteria provided. Collection method: clinical testing. Allele origin: germline. Not counted in ClinVar's aggregate classification.
Comment: This variant is classified as likely benign based on ACMG/AMP sequence variant interpretation guidelines (Richards et al. 2015 PMID: 25741868, with internal and published modifications).